The following is an entry in ClinVar:

NM_002834.5(PTPN11):c.417G>T (p.Glu139Asp)

Gene: PTPN11 (protein tyrosine phosphatase non-receptor type 11; plus strand). Cytogenetic location: 12q24.13.
Variant type: single nucleotide variant.
Coding change: c.417G>T on transcript NM_002834.5 (MANE Select); coding-DNA position 417, G replaced by T.
Protein change: p.Glu139Asp; replaces glutamic acid 139 with aspartic acid.
Molecular consequence: missense variant.
Genome position (GRCh38, 1-based): chr12:112,453,279, G>T. VCF-style: chr12-112453279-G-T. GRCh37 (hg19) VCF-style: chr12-112891083-G-T.
Other names: p.E139D:GAG>GAT; c.417G>T, p.Glu139Asp (NM_001330437.2, NM_080601.3); c.414G>T, p.Glu138Asp (NM_001374625.1); short protein forms E139D, E138D.
Identifiers: ClinVar variation 40512 (VCV000040512.31), dbSNP rs397507520, ClinGen allele CA261590.

ClinVar aggregate classification (germline): Pathogenic. Review status: criteria provided, multiple submitters, no conflicts (2 of 4 stars). 10 submissions from 10 submitters: Pathogenic (8). 2 of the submissions do not count toward it. Last evaluated 2026-05-17.

Conditions:
PTPN11-related disorder. Also called: PTPN11-Related Disorders.
Inborn genetic diseases. Identifiers: MedGen C0950123, MeSH D030342.
RASopathy. Also called: rasopathies; Noonan spectrum disorder. Identifiers: Orphanet 536391, MedGen C5555857, MONDO:0021060.
Juvenile myelomonocytic leukemia (JMML). Also called: LEUKEMIA, JUVENILE MYELOMONOCYTIC, SOMATIC. Identifiers: Orphanet 86834, MedGen C0349639, MONDO:0011908, OMIM 607785, HP:0012209.
Noonan syndrome (NS). Also called: Noonan's syndrome. Identifiers: Orphanet 648, MedGen C0028326, MeSH D009634, MONDO:0018997. Disease mechanism: gain of function.
Noonan syndrome 1 (NS1). Also called: FEMALE PSEUDO-TURNER SYNDROME; TURNER PHENOTYPE WITH NORMAL KARYOTYPE; PTPN11-Related Noonan Syndrome. Identifiers: Orphanet 648, MedGen C4551602, MONDO:0008104, OMIM 163950. Disease mechanism: gain of function.

Submissions (10):

Victorian Clinical Genetics Services, Murdoch Childrens Research Institute
Classification: Pathogenic for Noonan syndrome 1. Last evaluated: 2026-05-17. Review status: criteria provided, single submitter. Criteria: ACMG Guidelines, 2015. Collection method: clinical testing. Allele origin: germline. Affected: yes.
Comment: This variant is classified as Pathogenic. Evidence in support of pathogenic classification: An alternative nucleotide change, resulting in the same amino acid substitution, is present in gnomAD <0.001 for a dominant condition (v4: 1 heterozygote(s), 0 homozygote(s)); This variant has strong previous evidence of pathogenicity in unrelated individuals. This variant and an alternative nucleotide change, both resulting in the same amino acid substitution, are well reported to cause Noonan syndrome and have been reported as pathogenic by clinical laboratories in ClinVar. The alternative change (c.417G>C) is classified pathogenic for Noonan syndrome by the ClinGen RASopathy Variant Curation Expert Panel; Additional information: Variant is predicted to result in a missense amino acid change from Glu to Asp; This variant is heterozygous; This gene is associated with autosomal dominant disease; Variant is located in the annotated SH2 domain (DECIPHER); Both loss of function and gain of function are known mechanisms of disease for this gene. Metachondromatosis (MIM#156250) and Noonan syndrome with multiple lentigines (MIM#151100) have been associated with loss of function variants, whereas Noonan syndrome 1 (MIM#163950) is caused by gain of function variants (PMIDs: 11992261, 24935154, 21533187; ClinGen expert panel); Variants in this gene are known to have variable expressivity. Noonan syndrome is known to have variable expressivity (GeneReviews).

GeneDx
Classification: Pathogenic. Last evaluated: 2023-12-15. Review status: criteria provided, single submitter. Criteria: GeneDx Variant Classification Process June 2021. Collection method: clinical testing. Allele origin: germline. Affected: yes.
Comment: Identified in patients with features of PTPN11-related RASopathy in the literature and tested at GeneDx (PMID: 11992261); Published functional studies demonstrate a damaging effect (PMID: 20308328, 18372317); Not observed at significant frequency in large population cohorts (gnomAD); This variant is associated with the following publications: (PMID: 22135187, 18372317, 23584145, 20308328, 24628801, 30355600, 21407260, 11992261, 22315187, 33318624)

Blueprint Genetics
Classification: Pathogenic for PTPN11-related disorders. Last evaluated: 2021-10-05. Review status: criteria provided, single submitter. Criteria: ACMG Guidelines, 2015. Collection method: clinical testing. Allele origin: germline. Affected: yes. Observed: 2 variant alleles.

Labcorp Genetics (formerly Invitae), Labcorp
Classification: Pathogenic for RASopathy. Last evaluated: 2021-07-22. Review status: criteria provided, single submitter. Criteria: Invitae Variant Classification Sherloc (09022015). Collection method: clinical testing. Allele origin: germline.
Comment: This sequence change replaces glutamic acid with aspartic acid at codon 139 of the PTPN11 protein (p.Glu139Asp). The glutamic acid residue is moderately conserved and there is a small physicochemical difference between glutamic acid and aspartic acid. This variant is not present in population databases (ExAC no frequency). This missense change has been observed in individual(s) with Noonan syndrome (PMID: 11992261, 16358218, 19020799, 17339163). It has also been observed to segregate with disease in related individuals. ClinVar contains an entry for this variant (Variation ID: 40512). Experimental studies have shown that this missense change affects PTPN11 protein function (PMID: 18372317, 23584145, 20308328). For these reasons, this variant has been classified as Pathogenic.

Institute of Human Genetics Munich, TUM University Hospital
Classification: Pathogenic for Noonan syndrome 1. Last evaluated: 2018-06-13. Review status: criteria provided, single submitter. Criteria: Classification criteria August 2017. Collection method: clinical testing. Allele origin: de novo. Inheritance: Autosomal dominant inheritance. Affected: yes. Observed: 1 heterozygote.

Ambry Genetics
Classification: Pathogenic for Inborn genetic diseases. Last evaluated: 2017-12-21. Review status: criteria provided, single submitter. Criteria: Ambry exome assertion method (8-5-2015). Collection method: clinical testing. Allele origin: germline. Affected: yes. Observed: 2 variant alleles.

Laboratory for Molecular Medicine, Mass General Brigham Personalized Medicine
Classification: Pathogenic for Noonan syndrome; Juvenile myelomonocytic leukemia. Last evaluated: 2015-01-16. Review status: criteria provided, single submitter. Criteria: LMM Criteria. Collection method: clinical testing. Allele origin: germline. Inheritance: Autosomal dominant inheritance. Observed: 6 variant alleles.
Comment: The p.Glu139Asp (c.417G>T) variant in PTPN11 has been identified in 3 individua ls with Noonan syndrome (Tartaglia 2002, LMM unpublished data). It has not been identified in large population studies. In addition, another nucleotide change (c.417G>C) that results in the same amino acid change has also been reported in at least 10 individuals with Noonan syndrome, 1 individual with Noonan syndrome and acute lymphoblastic leukemia (ALL), 1 individual with Juvenile myelomonocyti c leukemia (JMML), and 1 individual with Noonan syndrome that developed ALL and JMML (Musante 2002, Loh 2004, Bertola 2006, Chan 2006, Hung 2007, Karow 2007, Ko 2008, Derbent 2010, Jongmans 2011, Pauli 2012, Timeus 2013). This variant has b een reported to show both familial segregation and to have occurred de novo (Jon gmans 2005, Houweling 2010). In summary, this variant meets our criteria to be c lassified as pathogenic.

Centre de Biologie Pathologie Génétique, Centre Hospitalier Universitaire de Lille
Classification: Pathogenic for Noonan syndrome 1. Review status: criteria provided, single submitter. Criteria: ACMG Guidelines, 2015. Collection method: clinical testing. Allele origin: unknown. Affected: yes.

Diagnostic Laboratory, Department of Genetics, University Medical Center Groningen
Classification: Pathogenic. Review status: no assertion criteria provided. Collection method: clinical testing. Allele origin: germline. Affected: yes. Study: VKGL Data-share Consensus. Not counted in ClinVar's aggregate classification.

Joint Genome Diagnostic Labs from Nijmegen and Maastricht, Radboudumc and MUMC+
Classification: Pathogenic. Review status: no assertion criteria provided. Collection method: clinical testing. Allele origin: germline. Affected: yes. Study: VKGL Data-share Consensus. Not counted in ClinVar's aggregate classification.

Literature cited by the submitters: PubMed 11992261 (cited by 4 submitters); PubMed 24935154 (cited by Victorian Clinical Genetics Services, Murdoch Childrens Research Institute); PubMed 21533187 (cited by Victorian Clinical Genetics Services, Murdoch Childrens Research Institute); PubMed 16358218 (cited by Labcorp Genetics (formerly Invitae), Labcorp); PubMed 19020799 (cited by Labcorp Genetics (formerly Invitae), Labcorp and Laboratory for Molecular Medicine, Mass General Brigham Personalized Medicine); PubMed 17339163 (cited by Labcorp Genetics (formerly Invitae), Labcorp and Laboratory for Molecular Medicine, Mass General Brigham Personalized Medicine); PubMed 18372317 (cited by Labcorp Genetics (formerly Invitae), Labcorp and Ambry Genetics); PubMed 23584145 (cited by Labcorp Genetics (formerly Invitae), Labcorp); PubMed 20308328 (cited by Labcorp Genetics (formerly Invitae), Labcorp); PubMed 14644997 (cited by Laboratory for Molecular Medicine, Mass General Brigham Personalized Medicine); PubMed 17020470 (cited by Laboratory for Molecular Medicine, Mass General Brigham Personalized Medicine); PubMed 17361219 (cited by Laboratory for Molecular Medicine, Mass General Brigham Personalized Medicine); PubMed 12634870 (cited by Laboratory for Molecular Medicine, Mass General Brigham Personalized Medicine); PubMed 20954246 (cited by Laboratory for Molecular Medicine, Mass General Brigham Personalized Medicine); PubMed 20112233 (cited by Laboratory for Molecular Medicine, Mass General Brigham Personalized Medicine); PubMed 22315187 (cited by Laboratory for Molecular Medicine, Mass General Brigham Personalized Medicine); PubMed 23756559 (cited by Laboratory for Molecular Medicine, Mass General Brigham Personalized Medicine); PubMed 15723289 (cited by Laboratory for Molecular Medicine, Mass General Brigham Personalized Medicine); PubMed 21407260 (cited by Laboratory for Molecular Medicine, Mass General Brigham Personalized Medicine).